The following is an entry in ClinVar:

NM_181507.2(HPS5):c.*702A>T

Gene: HPS5 (HPS5 biogenesis of lysosomal organelles complex 2 subunit 2; minus strand). Cytogenetic location: 11p15.1.
Variant type: single nucleotide variant.
Coding change: c.*702A>T on transcript NM_181507.2 (MANE Select); 702 bases downstream of the stop codon, A replaced by T.
Molecular consequence: 3 prime UTR variant.
Genome position (GRCh38, 1-based): chr11:18,279,180, T>A on the plus strand (A>T on the coding strand, the complement: HPS5 is on the minus strand). VCF-style: chr11-18279180-T-A. GRCh37 (hg19) VCF-style: chr11-18300727-T-A.
Other names: c.*702A>T (NM_007216.4, NM_181508.2).
Identifiers: ClinVar variation 303854 (VCV000303854.6), dbSNP rs79086536, ClinGen allele CA10634271.

ClinVar aggregate classification (germline): Benign. Review status: criteria provided, multiple submitters, no conflicts (2 of 4 stars). 2 submissions from 2 submitters: Benign (2). Last evaluated 2018-01-12.

Conditions:
Hermansky-Pudlak syndrome 5 (HPS5). Identifiers: Orphanet 231512, Orphanet 79430, MedGen C3888004, MONDO:0013557, OMIM 614074.

Allele frequency attached by ClinVar (database versions not stated): 1000 Genomes Project 0.01577; 1000 Genomes Project 30x 0.01671; gnomAD 0.01677 and 0.01805; TOPMed 0.01855.

Submissions (2):

Illumina Laboratory Services, Illumina
Classification: Benign for Hermansky-Pudlak syndrome 5. Last evaluated: 2018-01-12. Review status: criteria provided, single submitter. Criteria: ICSL Variant Classification Criteria 13 December 2019. Collection method: clinical testing. Allele origin: germline.
Comment: This variant was observed in the ICSL laboratory as part of a predisposition screen in an ostensibly healthy population. It had not been previously curated by ICSL or reported in the Human Gene Mutation Database (HGMD: prior to June 1st, 2018), and was therefore a candidate for classification through an automated scoring system. Utilizing variant allele frequency, disease prevalence and penetrance estimates, and inheritance mode, an automated score was calculated to assess if this variant is too frequent to cause the disease. Based on the score and internal cut-off values, a variant classified as benign is not then subjected to further curation. The score for this variant resulted in a classification of benign for this disease.

Breakthrough Genomics
Classification: Benign. Review status: criteria provided, single submitter. Criteria: ACMG Guidelines, 2015. Collection method: not provided. Allele origin: germline. Inheritance: Autosomal recessive inheritance. Affected: yes.